The following is an entry in ClinVar:

NC_000008.10:g.(90990552_90992961)_(90996896_?)del

Gene: NBN (nibrin; minus strand). Cytogenetic location: 8q21.3.
Variant type: Deletion.
Identifiers: ClinVar variation 3339744 (VCV003339744.1).

ClinVar aggregate classification (germline): Pathogenic (1 of 4 stars; one submission).

Conditions:
Microcephaly, normal intelligence and immunodeficiency (NBS). Also called: SEEMANOVA SYNDROME II; Nijmegen breakage syndrome; Ataxia telangiectasia variant V1; IMMUNODEFICIENCY, MICROCEPHALY, AND CHROMOSOMAL INSTABILITY; Immunodeficiency, microcephaly with normal intelligence; Microcephaly with normal intelligence immunodeficiency and lymphoreticular malignancies. Identifiers: Orphanet 647, MedGen C0398791, MONDO:0009623, OMIM 251260.

Submission:

Women's Health and Genetics/Laboratory Corporation of America, LabCorp
Classification: Pathogenic for Microcephaly, normal intelligence and immunodeficiency. Last evaluated: 2024-06-04. Review status: criteria provided, single submitter. Criteria: LabCorp Variant Classification Summary - May 2015. Collection method: clinical testing. Allele origin: germline.
Comment: Variant summary: The variant involves the deletion of exons 1-4 in the NBN gene. A presumed nomenclature of c.(?_-107)_(480+1_481-1)del has been designated for the purposes of this classification. The exact breakpoint at the 5' end of this variant is unknown, therefore this deletion may extend upstream of the annotated region of this gene. Although the exact breakpoints of this deletion are not known, it is predicted to remove the initiation codon and result in an absence of protein or a truncation of the encoded protein due to translation initiation at a downstream site. The variant was absent in 21694 control chromosomes (gnomAD Structural Variants dataset v2.1). c.(?_-107)_(480+1_481-1)del has been reported in the literature in at least one individual with ovarian carcinoma (e.g., Norquist_2018). These report(s) do not provide unequivocal conclusions about association of the variant with Nijmegen Breakage Syndrome. To our knowledge, no experimental evidence demonstrating an impact on protein function has been reported. The following publication was ascertained in the context of this evaluation (PMID: 29191972). ClinVar contains an entry for this variant (Variation ID: 832539, 417563). Based on the evidence outlined above, the variant was classified as pathogenic.

Literature cited by the submitters: PubMed 29191972.